The following is an entry in ClinVar:

NM_005876.5(SPEG):c.4550T>A (p.Met1517Lys)

Gene: SPEG (striated muscle enriched protein kinase; plus strand). Cytogenetic location: 2q35.
Variant type: single nucleotide variant.
Coding change: c.4550T>A on transcript NM_005876.5 (MANE Select); coding-DNA position 4550, T replaced by A.
Protein change: p.Met1517Lys; replaces methionine 1517 with lysine.
Molecular consequence: missense variant.
Genome position (GRCh38, 1-based): chr2:219,476,972, T>A. VCF-style: chr2-219476972-T-A. GRCh37 (hg19) VCF-style: chr2-220341694-T-A.
Other names: c.4550T>A (NM_005876.4); short protein forms M1517K.
Identifiers: ClinVar variation 2190206 (VCV002190206.2), dbSNP rs747652809, ClinGen allele CA2126534.
Genomic context (GRCh38, chr2:219,476,972, plus strand): 5'-GGGCTGGGGAAACTGCTCGCTTTGCGGTGGTGGTCGAGGGAAAACCACTGCCGGACATCA[T>A]GTGGTACAAGGTCAGAGTGTGCTGCTGGCTGAGCCTGGGGGAGGGAGGAGGGGCTCCCTG-3'
Protein context (NP_005867.3, residues 1507-1527): VVEGKPLPDI[Met1517Lys]WYKDEVLLTE

ClinVar aggregate classification (germline): Uncertain significance. Review status: criteria provided, multiple submitters, no conflicts (2 of 4 stars). 2 submissions from 2 submitters: Uncertain significance (2). Last evaluated 2025-01-16.

Conditions:
Inborn genetic diseases. Identifiers: MedGen C0950123, MeSH D030342.

Allele frequency attached by ClinVar (database versions not stated): TOPMed 0.00002; ExAC 0.00013.

Submissions (2):

Ambry Genetics
Classification: Uncertain significance for Inborn genetic diseases. Last evaluated: 2025-01-16. Review status: criteria provided, single submitter. Criteria: Ambry Variant Classification Scheme 2023. Collection method: clinical testing. Allele origin: germline.

Labcorp Genetics (formerly Invitae), Labcorp
Classification: Uncertain significance. Last evaluated: 2022-07-24. Review status: criteria provided, single submitter. Criteria: Invitae Variant Classification Sherloc (09022015). Collection method: clinical testing. Allele origin: germline.
Comment: This sequence change replaces methionine, which is neutral and non-polar, with lysine, which is basic and polar, at codon 1517 of the SPEG protein (p.Met1517Lys). This variant is present in population databases (rs747652809, gnomAD 0.07%), including at least one homozygous and/or hemizygous individual. This variant has not been reported in the literature in individuals affected with SPEG-related conditions. Algorithms developed to predict the effect of missense changes on protein structure and function are either unavailable or do not agree on the potential impact of this missense change (SIFT: "Deleterious"; PolyPhen-2: "Benign"; Align-GVGD: "Class C0"). In summary, the available evidence is currently insufficient to determine the role of this variant in disease. Therefore, it has been classified as a Variant of Uncertain Significance.